The following is an entry in ClinVar:

NM_005198.5(CHKB):c.528C>T (p.Gly176=)

Genes: CHKB (choline kinase beta; minus strand), CHKB-CPT1B (CHKB-CPT1B readthrough (NMD candidate); minus strand). Cytogenetic location: 22q13.33.
Variant type: single nucleotide variant.
Coding change: c.528C>T on transcript NM_005198.5 (MANE Select); coding-DNA position 528, C replaced by T.
Protein change: p.Gly176=; no amino-acid change (glycine 176 retained).
Molecular consequence: synonymous variant. On other transcripts: non-coding transcript variant (1).
Genome position (GRCh38, 1-based): chr22:50,581,473, G>A on the plus strand (C>T on the coding strand, the complement: CHKB is on the minus strand). VCF-style: chr22-50581473-G-A. GRCh37 (hg19) VCF-style: chr22-51019902-G-A.
Identifiers: ClinVar variation 2001891 (VCV002001891.4), dbSNP rs2070689562, ClinGen allele CA515274193.

ClinVar aggregate classification (germline): Uncertain significance (1 of 4 stars; one submission).

Conditions:
Megaconial type congenital muscular dystrophy (MDCMC). Also called: CHKB-Related Muscular Dystrophy; CHKB-Related Muscle Diseases; MUSCULAR DYSTROPHY, CONGENITAL, WITH MITOCHONDRIAL STRUCTURAL ABNORMALITIES. Identifiers: Orphanet 280671, MedGen C1865233, MONDO:0011246, OMIM 602541.

Allele frequency attached by ClinVar (database versions not stated): gnomAD exomes 0.00001.
gnomAD v4.1: 4 of 1,613,926 alleles (0.00025%); highest among the groups gnomAD compares: South Asian, 0.0044%; no homozygotes.

Submission:

Labcorp Genetics (formerly Invitae), Labcorp
Classification: Uncertain significance for Megaconial type congenital muscular dystrophy. Last evaluated: 2022-07-13. Review status: criteria provided, single submitter. Criteria: Invitae Variant Classification Sherloc (09022015). Collection method: clinical testing. Allele origin: germline.
Comment: This sequence change affects codon 176 of the CHKB mRNA. It is a 'silent' change, meaning that it does not change the encoded amino acid sequence of the CHKB protein. This variant is not present in population databases (gnomAD no frequency). This variant has not been reported in the literature in individuals affected with CHKB-related conditions. Algorithms developed to predict the effect of sequence changes on RNA splicing suggest that this variant may create or strengthen a splice site. In summary, the available evidence is currently insufficient to determine the role of this variant in disease. Therefore, it has been classified as a Variant of Uncertain Significance.